The following is an entry in ClinVar:

ClinVar aggregate classification (germline): Uncertain significance (1 of 4 stars; one submission).

Conditions:
Myofibrillar myopathy 6. Identifiers: Orphanet 199340, MedGen C2751831, MONDO:0013061, OMIM 612954.
Dilated cardiomyopathy 1HH (CMD1HH). Identifiers: Orphanet 154, MedGen C3151293, MONDO:0013479, OMIM 613881.

Submission:

Labcorp Genetics (formerly Invitae), Labcorp
Classification: Uncertain significance for Dilated cardiomyopathy 1HH; Myofibrillar myopathy 6. Last evaluated: 2022-07-30. Review status: criteria provided, single submitter. Criteria: Invitae Variant Classification Sherloc (09022015). Collection method: clinical testing. Allele origin: germline.
Comment: This sequence change replaces glutamic acid, which is acidic and polar, with glutamine, which is neutral and polar, at codon 360 of the BAG3 protein (p.Glu360Gln). This variant is not present in population databases (gnomAD no frequency). This variant has not been reported in the literature in individuals affected with BAG3-related conditions. ClinVar contains an entry for this variant (Variation ID: 1520972). Algorithms developed to predict the effect of missense changes on protein structure and function are either unavailable or do not agree on the potential impact of this missense change (SIFT: "Tolerated"; PolyPhen-2: "Not Available"; Align-GVGD: "Class C0"). In summary, the available evidence is currently insufficient to determine the role of this variant in disease. Therefore, it has been classified as a Variant of Uncertain Significance.

NM_004281.4(BAG3):c.1078G>C (p.Glu360Gln)

Gene: BAG3 (BAG cochaperone 3; plus strand). Cytogenetic location: 10q26.11.
Variant type: single nucleotide variant.
Coding change: c.1078G>C on transcript NM_004281.4 (MANE Select); coding-DNA position 1078, G replaced by C.
Protein change: p.Glu360Gln; replaces glutamic acid 360 with glutamine.
Molecular consequence: missense variant.
Genome position (GRCh38, 1-based): chr10:119,676,632, G>C. VCF-style: chr10-119676632-G-C. GRCh37 (hg19) VCF-style: chr10-121436144-G-C.
Other names: short protein forms E360Q.
Identifiers: ClinVar variation 1520972 (VCV001520972.5), dbSNP rs2134068848, ClinGen allele CA378296591.